The following is an entry in ClinVar:

NM_004484.4(GPC3):c.1030A>T (p.Thr344Ser)

Gene: GPC3 (glypican 3; minus strand). Cytogenetic location: Xq26.2.
Variant type: single nucleotide variant.
Coding change: c.1030A>T on transcript NM_004484.4 (MANE Select); coding-DNA position 1030, A replaced by T.
Protein change: p.Thr344Ser; replaces threonine 344 with serine.
Molecular consequence: missense variant.
Genome position (GRCh38, 1-based): chrX:133,753,484, T>A on the plus strand (A>T on the coding strand, the complement: GPC3 is on the minus strand). VCF-style: chrX-133753484-T-A. GRCh37 (hg19) VCF-style: chrX-132887511-T-A.
Other names: c.1030A>T, p.Thr344Ser (NM_001164617.2); c.982A>T, p.Thr328Ser (NM_001164618.2); c.868A>T, p.Thr290Ser (NM_001164619.2); short protein forms T290S, T328S, T344S.
Identifiers: ClinVar variation 1350085 (VCV001350085.8), dbSNP rs2124479705, ClinGen allele CA414705006.

ClinVar aggregate classification (germline): Uncertain significance (1 of 4 stars; one submission).

Conditions:
Wilms tumor 1 (WT1). Also called: Wilms tumor, somatic. Identifiers: Orphanet 654, MedGen CN033288, MONDO:0008679, OMIM 194070.

Submission:

Labcorp Genetics (formerly Invitae), Labcorp
Classification: Uncertain significance for Wilms tumor 1. Last evaluated: 2021-05-26. Review status: criteria provided, single submitter. Criteria: Invitae Variant Classification Sherloc (09022015). Collection method: clinical testing. Allele origin: germline.
Comment: In summary, the available evidence is currently insufficient to determine the role of this variant in disease. Therefore, it has been classified as a Variant of Uncertain Significance. Algorithms developed to predict the effect of missense changes on protein structure and function (SIFT, PolyPhen-2, Align-GVGD) all suggest that this variant is likely to be tolerated, but these predictions have not been confirmed by published functional studies and their clinical significance is uncertain. This variant has not been reported in the literature in individuals with GPC3-related conditions. This variant is not present in population databases (ExAC no frequency). This sequence change replaces threonine with serine at codon 344 of the GPC3 protein (p.Thr344Ser). The threonine residue is moderately conserved and there is a small physicochemical difference between threonine and serine.